The following is an entry in ClinVar:

NM_002506.3(NGF):c.160G>A (p.Ala54Thr)

Genes: NGF (nerve growth factor; minus strand), NGF-AS1 (NGF antisense RNA 1; plus strand). Cytogenetic location: 1p13.2.
Variant type: single nucleotide variant.
Coding change: c.160G>A on transcript NM_002506.3 (MANE Select); coding-DNA position 160, G replaced by A.
Protein change: p.Ala54Thr; replaces alanine 54 with threonine.
Molecular consequence: missense variant.
Genome position (GRCh38, 1-based): chr1:115,286,636, C>T on the plus strand (G>A on the coding strand, the complement: NGF is on the minus strand). VCF-style: chr1-115286636-C-T. GRCh37 (hg19) VCF-style: chr1-115829257-C-T.
Other names: short protein forms A54T.
Identifiers: ClinVar variation 640133 (VCV000640133.9), dbSNP rs200459956, ClinGen allele CA1023054.
Genomic context (GRCh38, chr1:115,286,636, plus strand): 5'-GGTCCACAGTAATGTTGCGGGTCTGCCCCGCCACGCGTGCAGCTATCGCCGCTGCCGGGG[C>T]GCTGCGGGCTCTGCGAAGGGCAGTGTCAAGGGAATGCTGAAGTTTAGTCCAGTGGGCTTG-3'
Protein context (NP_002497.2, residues 44-64): LDTALRRARS[Ala54Thr]PAAAIAARVA

ClinVar aggregate classification (germline): Uncertain significance. Review status: criteria provided, multiple submitters, no conflicts (2 of 4 stars). 3 submissions from 3 submitters: Uncertain significance (3). Last evaluated 2025-05-12.

Conditions:
Congenital sensory neuropathy with selective loss of small myelinated fibers (HSAN5). Also called: HSAN Type V. Identifiers: Orphanet 64752, MedGen C0020075, MONDO:0012092, OMIM 608654.

Allele frequency attached by ClinVar (database versions not stated): gnomAD exomes 0.00004; gnomAD 0.00005 and 0.00006; TOPMed 0.00005; ExAC 0.00008; ESP Exome Variant Server 0.00008; 1000 Genomes Project 30x 0.00031; 1000 Genomes Project 0.00040.
gnomAD v4.1: 67 of 1,614,176 alleles (0.0042%); highest among the groups gnomAD compares: African/African-American, 0.0067%; no homozygotes.

Submissions (3):

Labcorp Genetics (formerly Invitae), Labcorp
Classification: Uncertain significance for Congenital sensory neuropathy with selective loss of small myelinated fibers. Last evaluated: 2025-05-12. Review status: criteria provided, single submitter. Criteria: Invitae Variant Classification Sherloc (09022015). Collection method: clinical testing. Allele origin: germline.
Comment: This sequence change replaces alanine, which is neutral and non-polar, with threonine, which is neutral and polar, at codon 54 of the NGF protein (p.Ala54Thr). This variant is present in population databases (rs200459956, gnomAD 0.007%). This variant has not been reported in the literature in individuals affected with NGF-related conditions. ClinVar contains an entry for this variant (Variation ID: 640133). Invitae Evidence Modeling of protein sequence and biophysical properties (such as structural, functional, and spatial information, amino acid conservation, physicochemical variation, residue mobility, and thermodynamic stability) indicates that this missense variant is not expected to disrupt NGF protein function with a negative predictive value of 80%. In summary, the available evidence is currently insufficient to determine the role of this variant in disease. Therefore, it has been classified as a Variant of Uncertain Significance.

Fulgent Genetics
Classification: Uncertain significance for Congenital sensory neuropathy with selective loss of small myelinated fibers. Last evaluated: 2024-05-17. Review status: criteria provided, single submitter. Criteria: ACMG Guidelines, 2015. Collection method: clinical testing. Allele origin: germline.

Blueprint Genetics
Classification: Uncertain significance. Last evaluated: 2024-04-10. Review status: criteria provided, single submitter. Criteria: ACMG Guidelines, 2015. Collection method: clinical testing. Allele origin: germline.